The following is an entry in ClinVar:

ClinVar aggregate classification (germline): Uncertain significance (1 of 4 stars; one submission).

gnomAD v4.1: 42 of 1,614,078 alleles (0.0026%); highest among the groups gnomAD compares: South Asian, 0.0088%; no homozygotes.

Submission:

Labcorp Genetics (formerly Invitae), Labcorp
Classification: Uncertain significance. Last evaluated: 2025-02-06. Review status: criteria provided, single submitter. Criteria: Invitae Variant Classification Sherloc (09022015). Collection method: clinical testing. Allele origin: germline.
Comment: This sequence change replaces alanine, which is neutral and non-polar, with valine, which is neutral and non-polar, at codon 360 of the ZNF687 protein (p.Ala360Val). This variant is present in population databases (rs199952503, gnomAD 0.02%). This variant has not been reported in the literature in individuals affected with ZNF687-related conditions. An algorithm developed to predict the effect of missense changes on protein structure and function (PolyPhen-2) suggests that this variant is likely to be tolerated. In summary, the available evidence is currently insufficient to determine the role of this variant in disease. Therefore, it has been classified as a Variant of Uncertain Significance.

NM_020832.3(ZNF687):c.1079C>T (p.Ala360Val)

Gene: ZNF687 (zinc finger protein 687; plus strand). Cytogenetic location: 1q21.3.
Variant type: single nucleotide variant.
Coding change: c.1079C>T on transcript NM_020832.3 (MANE Select); coding-DNA position 1079, C replaced by T.
Protein change: p.Ala360Val; replaces alanine 360 with valine.
Molecular consequence: missense variant.
Genome position (GRCh38, 1-based): chr1:151,287,370, C>T. VCF-style: chr1-151287370-C-T. GRCh37 (hg19) VCF-style: chr1-151259846-C-T.
Other names: c.1079C>T, p.Ala360Val (NM_001304763.2, NM_001304764.2); short protein forms A360V.
Identifiers: ClinVar variation 3653917 (VCV003653917.2).